The following is an entry in ClinVar:

ClinVar aggregate classification (germline): Pathogenic (1 of 4 stars; one submission).

Conditions:
Bardet-Biedl syndrome (BBS). Identifiers: Orphanet 110, MedGen C0752166, MONDO:0015229.

Submission:

Labcorp Genetics (formerly Invitae), Labcorp
Classification: Pathogenic for Bardet-Biedl syndrome. Last evaluated: 2024-02-24. Review status: criteria provided, single submitter. Criteria: Invitae Variant Classification Sherloc (09022015). Collection method: clinical testing. Allele origin: germline.
Comment: This sequence change creates a premature translational stop signal (p.Leu424Phefs*7) in the BBS10 gene. While this is not anticipated to result in nonsense mediated decay, it is expected to disrupt the last 300 amino acid(s) of the BBS10 protein. This variant is not present in population databases (gnomAD no frequency). This variant has not been reported in the literature in individuals affected with BBS10-related conditions. ClinVar contains an entry for this variant (Variation ID: 1967707). This variant disrupts a region of the BBS10 protein in which other variant(s) (p.Val707*) have been determined to be pathogenic (PMID: 20472660, 22773737, 25982971, 27486776). This suggests that this is a clinically significant region of the protein, and that variants that disrupt it are likely to be disease-causing. For these reasons, this variant has been classified as Pathogenic.

Literature cited by the submitters: PubMed 20472660; PubMed 22773737; PubMed 25982971; PubMed 27486776.

NM_024685.4(BBS10):c.1272del (p.Leu424fs)

Gene: BBS10 (Bardet-Biedl syndrome 10; minus strand). Cytogenetic location: 12q21.2.
Variant type: Deletion.
Coding change: c.1272del on transcript NM_024685.4 (MANE Select); coding-DNA position 1272, one base deleted (A; older notation c.1272delA).
Protein change: p.Leu424fs; shifts the reading frame from leucine 424.
Molecular consequence: frameshift variant.
Genome position (GRCh38, 1-based): chr12:76,346,713, T deleted on the plus strand (A on the coding strand, the reverse complement: BBS10 is on the minus strand). VCF-style (leftmost placement, unchanged base first): chr12-76346712-AT-A. GRCh37 (hg19) VCF-style: chr12-76740492-AT-A.
Other names: short protein forms L424fs.
Identifiers: ClinVar variation 1967707 (VCV001967707.5), dbSNP rs2540955907, ClinGen allele CA2580086681.
Genomic context (GRCh38, chr12:76,346,712, plus strand): 5'-GACTTGAAGTGCCATTTTGGTCATTGGTTTGTGTCATGTAATTTAGATCAAGGTCTTTAA[AT>A]AATTGCCGAAGCATTTTAAGTGCTCCATGTAAAGCATCCTCATGTTGTTCAATGAGACCA-3'